The following is an entry in ClinVar:

NM_004815.4(ARHGAP29):c.438-7T>C

Gene: ARHGAP29 (Rho GTPase activating protein 29; minus strand). Cytogenetic location: 1p22.1.
Variant type: single nucleotide variant.
Coding change: c.438-7T>C on transcript NM_004815.4 (MANE Select); 7 bases into the intron before coding-DNA position 438, T replaced by C.
Molecular consequence: intron variant.
Genome position (GRCh38, 1-based): chr1:94,208,911, A>G on the plus strand (T>C on the coding strand, the complement: ARHGAP29 is on the minus strand). VCF-style: chr1-94208911-A-G. GRCh37 (hg19) VCF-style: chr1-94674467-A-G.
Other names: c.246-7T>C (NM_001328665.2, NM_001328667.2); c.438-7T>C (NM_001328664.2, NM_001328666.2).
Identifiers: ClinVar variation 3041078 (VCV003041078.2), dbSNP rs550560986, ClinGen allele CA959810.

ClinVar aggregate classification (germline): Likely benign (0 of 4 stars; one submission).

Conditions:
ARHGAP29-related disorder. Also called: ARHGAP29-related condition; ARHGAP29-Related Disorders.

Allele frequency attached by ClinVar (database versions not stated): ExAC 0.00007; 1000 Genomes Project 30x 0.00016; 1000 Genomes Project 0.00020.
gnomAD v4.1: 58 of 1,612,082 alleles (0.0036%); highest among the groups gnomAD compares: South Asian, 0.058%; 1 homozygote.

Submission:

PreventionGenetics, part of Exact Sciences
Classification: Likely benign for ARHGAP29-related condition. Last evaluated: 2019-09-25. Review status: no assertion criteria provided. Collection method: clinical testing. Allele origin: germline.
Comment: This variant is classified as likely benign based on ACMG/AMP sequence variant interpretation guidelines (Richards et al. 2015 PMID: 25741868, with internal and published modifications).